The following is an entry in ClinVar:

ClinVar aggregate classification (germline): Conflicting classifications of pathogenicity. Review status: criteria provided, conflicting classifications (1 of 4 stars). 4 submissions from 3 submitters: Uncertain significance (1); Benign (2); Likely benign (1). Last evaluated 2025-12-08.

Conditions:
Autosomal recessive ataxia, Beauce type. Also called: SYNE1-Related Autosomal Recessive Cerebellar Ataxia; Spinocerebellar ataxia, autosomal recessive 8; ATAXIA, RECESSIVE, OF BEAUCE; SYNE1 Deficiency. Identifiers: Orphanet 88644, MedGen C1853116, MONDO:0012549, OMIM 610743.
Emery-Dreifuss muscular dystrophy 4, autosomal dominant (EDMD4). Also called: EMERY-DREIFUSS MUSCULAR DYSTROPHY 4 WITH VARIABLE FEATURES. Identifiers: Orphanet 261, MedGen C2751807, MONDO:0013071, OMIM 612998.

Allele frequency attached by ClinVar (database versions not stated): gnomAD exomes 0.00007 and 0.00024; gnomAD 0.00009 and 0.00016; 1000 Genomes Project 30x 0.00016; 1000 Genomes Project 0.00020; TOPMed 0.00020; ExAC 0.00026.
gnomAD v4.1: 138 of 1,613,954 alleles (0.0086%); highest among the groups gnomAD compares: East Asian, 0.25%; no homozygotes.

Submissions (4):

Labcorp Genetics (formerly Invitae), Labcorp
Classification: Benign for Emery-Dreifuss muscular dystrophy 4, autosomal dominant; Autosomal recessive ataxia, Beauce type. Last evaluated: 2025-12-08. Review status: criteria provided, single submitter. Criteria: Invitae Variant Classification Sherloc (09022015). Collection method: clinical testing. Allele origin: germline.

Blueprint Genetics
Classification: Likely benign. Last evaluated: 2023-09-15. Review status: criteria provided, single submitter. Criteria: ACMG Guidelines, 2015. Collection method: clinical testing. Allele origin: germline.

Illumina Laboratory Services, Illumina
Classification: Uncertain significance for Autosomal recessive ataxia, Beauce type. Last evaluated: 2018-01-13. Review status: criteria provided, single submitter. Criteria: ICSL Variant Classification Criteria 13 December 2019. Collection method: clinical testing. Allele origin: germline.

Illumina Laboratory Services, Illumina
Classification: Benign for Emery-Dreifuss muscular dystrophy 4, autosomal dominant. Last evaluated: 2018-01-13. Review status: criteria provided, single submitter. Criteria: ICSL Variant Classification Criteria 13 December 2019. Collection method: clinical testing. Allele origin: germline.
Comment: This variant was observed in the ICSL laboratory as part of a predisposition screen in an ostensibly healthy population. It had not been previously curated by ICSL or reported in the Human Gene Mutation Database (HGMD: prior to June 1st, 2018), and was therefore a candidate for classification through an automated scoring system. Utilizing variant allele frequency, disease prevalence and penetrance estimates, and inheritance mode, an automated score was calculated to assess if this variant is too frequent to cause the disease. Based on the score and internal cut-off values, a variant classified as benign is not then subjected to further curation. The score for this variant resulted in a classification of benign for this disease.

NM_182961.4(SYNE1):c.21195+12A>G

Gene: SYNE1 (spectrin repeat containing nuclear envelope protein 1; minus strand). Cytogenetic location: 6q25.2.
Variant type: single nucleotide variant.
Coding change: c.21195+12A>G on transcript NM_182961.4 (MANE Select); 12 bases into the intron after coding-DNA position 21195, A replaced by G.
Molecular consequence: intron variant.
Genome position (GRCh38, 1-based): chr6:152,230,535, T>C on the plus strand (A>G on the coding strand, the complement: SYNE1 is on the minus strand). VCF-style: chr6-152230535-T-C. GRCh37 (hg19) VCF-style: chr6-152551670-T-C.
Other names: c.20982+12A>G (NM_033071.5).
Identifiers: ClinVar variation 355834 (VCV000355834.13), dbSNP rs200930593, ClinGen allele CA4054236.